The following is an entry in ClinVar:

ClinVar aggregate classification (germline): Conflicting classifications of pathogenicity. Review status: criteria provided, conflicting classifications (1 of 4 stars). 2 submissions from 2 submitters: Likely pathogenic (1); Uncertain significance (1). Last evaluated 2024-07-31.

Conditions:
Inborn genetic diseases. Identifiers: MedGen C0950123, MeSH D030342.

Submissions (2):

GeneDx
Classification: Uncertain significance. Last evaluated: 2024-07-31. Review status: criteria provided, single submitter. Criteria: GeneDx Variant Classification Process June 2021. Collection method: clinical testing. Allele origin: germline. Affected: yes.
Comment: Not observed at significant frequency in large population cohorts (gnomAD); In silico analysis supports that this missense variant has a deleterious effect on protein structure/function; Has not been previously published as pathogenic or benign to our knowledge

Ambry Genetics
Classification: Likely pathogenic for Inborn genetic diseases. Last evaluated: 2023-08-17. Review status: criteria provided, single submitter. Criteria: Ambry Variant Classification Scheme 2023. Collection method: clinical testing. Allele origin: germline.
Comment: The c.1499C>T (p.P500L) alteration is located in exon 11 (coding exon 11) of the KDM5C gene. This alteration results from a C to T substitution at nucleotide position 1499, causing the proline (P) at amino acid position 500 to be replaced by a leucine (L). This variant was not reported in population-based cohorts in the Genome Aggregation Database (gnomAD). This amino acid position is highly conserved in available vertebrate species. This variant is located in the JmjC domain and is indicated to be structurally deleterious (Johansson, 2016; Ambry internal data). This alteration is predicted to be deleterious by in silico analysis. Based on the available evidence, this alteration is classified as likely pathogenic.

Literature cited by the submitters: PubMed 27214403 (cited by Ambry Genetics).

NM_004187.5(KDM5C):c.1499C>T (p.Pro500Leu)

Gene: KDM5C (lysine demethylase 5C; minus strand). Cytogenetic location: Xp11.22.
Variant type: single nucleotide variant.
Coding change: c.1499C>T on transcript NM_004187.5 (MANE Select); coding-DNA position 1499, C replaced by T.
Protein change: p.Pro500Leu; replaces proline 500 with leucine.
Molecular consequence: missense variant. On other transcripts: non-coding transcript variant (3).
Genome position (GRCh38, 1-based): chrX:53,210,760, G>A on the plus strand (C>T on the coding strand, the complement: KDM5C is on the minus strand). VCF-style: chrX-53210760-G-A. GRCh37 (hg19) VCF-style: chrX-53239942-G-A.
Other names: c.1298C>T, p.Pro433Leu (NM_001146702.2); c.1496C>T, p.Pro499Leu (NM_001282622.3, NM_001353979.2, NM_001353982.2); c.1499C>T, p.Pro500Leu (NM_001353978.3, NM_001353981.2, NM_001353984.2); c.1499C>T (NM_004187.2); short protein forms P500L, P433L, P499L.
Identifiers: ClinVar variation 588412 (VCV000588412.6), dbSNP rs1569273900, ClinGen allele CA413128666.